The following is an entry in ClinVar:

ClinVar aggregate classification (germline): Uncertain significance. Review status: criteria provided, multiple submitters, no conflicts (2 of 4 stars). 4 submissions from 4 submitters: Uncertain significance (3). 1 of the submissions does not count toward it. Last evaluated 2025-10-29.

Conditions:
Autosomal recessive retinitis pigmentosa. Identifiers: MedGen C0339526.
Inborn genetic diseases. Identifiers: MedGen C0950123, MeSH D030342.

Allele frequency attached by ClinVar (database versions not stated): gnomAD exomes 0.00002 and 0.00011; gnomAD 0.00003; TOPMed 0.00006.
gnomAD v4.1: 28 of 1,551,604 alleles (0.0018%); highest among the groups gnomAD compares: Admixed American, 0.053%; no homozygotes.

Submissions (4):

Labcorp Genetics (formerly Invitae), Labcorp
Classification: Uncertain significance. Last evaluated: 2025-10-29. Review status: criteria provided, single submitter. Criteria: Invitae Variant Classification Sherloc (09022015). Collection method: clinical testing. Allele origin: germline.
Comment: This sequence change replaces glycine, which is neutral and non-polar, with valine, which is neutral and non-polar, at codon 2607 of the EYS protein (p.Gly2607Val). This variant is present in population databases (no rsID available, gnomAD 0.07%). This variant has not been reported in the literature in individuals affected with EYS-related conditions. ClinVar contains an entry for this variant (Variation ID: 990442). Invitae Evidence Modeling of protein sequence and biophysical properties (such as structural, functional, and spatial information, amino acid conservation, physicochemical variation, residue mobility, and thermodynamic stability) indicates that this missense variant is not expected to disrupt EYS protein function with a negative predictive value of 80%. In summary, the available evidence is currently insufficient to determine the role of this variant in disease. Therefore, it has been classified as a Variant of Uncertain Significance.

Ambry Genetics
Classification: Uncertain significance for Inborn genetic diseases. Last evaluated: 2025-10-07. Review status: criteria provided, single submitter. Criteria: Ambry Variant Classification Scheme 2023. Collection method: clinical testing. Allele origin: germline.

Blueprint Genetics
Classification: Uncertain significance. Last evaluated: 2022-02-08. Review status: criteria provided, single submitter. Criteria: ACMG Guidelines, 2015. Collection method: clinical testing. Allele origin: germline.

Natera, Inc.
Classification: Uncertain significance for Autosomal recessive retinitis pigmentosa. Last evaluated: 2020-08-10. Review status: no assertion criteria provided. Collection method: clinical testing. Allele origin: germline. Not counted in ClinVar's aggregate classification.

NM_001142800.2(EYS):c.7820G>T (p.Gly2607Val)

Gene: EYS (EGF-like photoreceptor maintenance factor; minus strand). Cytogenetic location: 6q12.
Variant type: single nucleotide variant.
Coding change: c.7820G>T on transcript NM_001142800.2 (MANE Select); coding-DNA position 7820, G replaced by T.
Protein change: p.Gly2607Val; replaces glycine 2607 with valine.
Molecular consequence: missense variant.
Genome position (GRCh38, 1-based): chr6:63,778,084, C>A on the plus strand (G>T on the coding strand, the complement: EYS is on the minus strand). VCF-style: chr6-63778084-C-A. GRCh37 (hg19) VCF-style: chr6-64487977-C-A.
Other names: c.7820G>T, p.Gly2607Val (NM_001292009.2); c.7820G>T (NM_001142800.1); short protein forms G2607V.
Identifiers: ClinVar variation 990442 (VCV000990442.7), dbSNP rs1328331376, ClinGen allele CA364390572.